The following is an entry in ClinVar:

ClinVar aggregate classification (germline): Uncertain significance (1 of 4 stars; one submission).

Conditions:
Hereditary cancer-predisposing syndrome. Also called: Tumor predisposition; Hereditary Cancer Syndrome; Hereditary neoplastic syndrome; Neoplastic Syndromes, Hereditary. Identifiers: Orphanet 140162, MedGen C0027672, MeSH D009386, MONDO:0015356.

gnomAD v4.1: 2 of 1,614,174 alleles (0.00012%); highest among the groups gnomAD compares: Non-Finnish European, 0.00017%; no homozygotes.

Submission:

Ambry Genetics
Classification: Uncertain significance for Hereditary cancer-predisposing syndrome. Last evaluated: 2024-03-17. Review status: criteria provided, single submitter. Criteria: Ambry Variant Classification Scheme 2023. Collection method: clinical testing. Allele origin: germline.
Comment: The p.G537D variant (also known as c.1610G>A), located in coding exon 14 of the FANCC gene, results from a G to A substitution at nucleotide position 1610. The glycine at codon 537 is replaced by aspartic acid, an amino acid with similar properties. This amino acid position is conserved. In addition, this alteration is predicted to be tolerated by in silico analysis. Based on the available evidence, the clinical significance of this alteration remains unclear.

NM_000136.3(FANCC):c.1610G>A (p.Gly537Asp)

Genes: AOPEP (aminopeptidase O (putative); plus strand), FANCC (FA complementation group C; minus strand). Cytogenetic location: 9q22.32.
Variant type: single nucleotide variant.
Coding change: c.1610G>A on transcript NM_000136.3 (MANE Select); coding-DNA position 1610, G replaced by A.
Protein change: p.Gly537Asp; replaces glycine 537 with aspartic acid.
Molecular consequence: missense variant.
Genome position (GRCh38, 1-based): chr9:95,101,774, C>T on the plus strand (G>A on the coding strand, the complement: FANCC is on the minus strand). VCF-style: chr9-95101774-C-T. GRCh37 (hg19) VCF-style: chr9-97864056-C-T.
Other names: c.1610G>A, p.Gly537Asp (NM_001243743.2); short protein forms G537D.
Identifiers: ClinVar variation 3277625 (VCV003277625.1).